The following is an entry in ClinVar:

ClinVar aggregate classification (germline): Uncertain significance (1 of 4 stars; one submission).

Submission:

Ambry Genetics
Classification: Uncertain significance. Last evaluated: 2026-05-14. Review status: criteria provided, single submitter. Criteria: Ambry Variant Classification Scheme 2023. Collection method: clinical testing. Allele origin: germline.
Comment: The c.700G>T (p.D234Y) alteration is located in exon 1 (coding exon 1) of the FOXR2 gene. This alteration results from a G to T substitution at nucleotide position 700, causing the aspartic acid (D) at amino acid position 234 to be replaced by a tyrosine (Y). Based on data from gnomAD, the T allele has an overall frequency of <0.001% (1/182815) total alleles studied. The highest observed frequency was 0.001% (1/81440) of European (non-Finnish) alleles. Based on insufficient or conflicting evidence, the clinical significance of this alteration remains unclear.

NM_198451.4(FOXR2):c.700G>T (p.Asp234Tyr)

Gene: FOXR2 (forkhead box R2; plus strand). Cytogenetic location: Xp11.21.
Variant type: single nucleotide variant.
Coding change: c.700G>T on transcript NM_198451.4 (MANE Select); coding-DNA position 700, G replaced by T.
Protein change: p.Asp234Tyr; replaces aspartic acid 234 with tyrosine.
Molecular consequence: missense variant.
Genome position (GRCh38, 1-based): chrX:55,624,411, G>T. VCF-style: chrX-55624411-G-T. GRCh37 (hg19) VCF-style: chrX-55650844-G-T.
Other names: short protein forms D234Y.
Identifiers: ClinVar variation 4871533 (VCV004871533.1).